The following is an entry in ClinVar:

ClinVar aggregate classification (germline): Uncertain significance (1 of 4 stars; one submission).

Submission:

Labcorp Genetics (formerly Invitae), Labcorp
Classification: Uncertain significance. Last evaluated: 2025-10-02. Review status: criteria provided, single submitter. Criteria: Invitae Variant Classification Sherloc (09022015). Collection method: clinical testing. Allele origin: germline.
Comment: This sequence change replaces serine, which is neutral and polar, with cysteine, which is neutral and slightly polar, at codon 136 of the MCM5 protein (p.Ser136Cys). This variant is not present in population databases (gnomAD no frequency). This variant has not been reported in the literature in individuals affected with MCM5-related conditions. Invitae Evidence Modeling of protein sequence and biophysical properties (such as structural, functional, and spatial information, amino acid conservation, physicochemical variation, residue mobility, and thermodynamic stability) indicates that this missense variant is not expected to disrupt MCM5 protein function with a negative predictive value of 80%. In summary, the available evidence is currently insufficient to determine the role of this variant in disease. Therefore, it has been classified as a Variant of Uncertain Significance.

NM_006739.4(MCM5):c.406A>T (p.Ser136Cys)

Gene: MCM5 (minichromosome maintenance complex component 5; plus strand). Cytogenetic location: 22q12.3.
Variant type: single nucleotide variant.
Coding change: c.406A>T on transcript NM_006739.4 (MANE Select); coding-DNA position 406, A replaced by T.
Protein change: p.Ser136Cys; replaces serine 136 with cysteine.
Molecular consequence: missense variant.
Genome position (GRCh38, 1-based): chr22:35,403,525, A>T. VCF-style: chr22-35403525-A-T. GRCh37 (hg19) VCF-style: chr22-35799518-A-T.
Other names: short protein forms S136C.
Identifiers: ClinVar variation 4743096 (VCV004743096.1).